The following is an entry in ClinVar:

NM_007294.4:c.(5152-1_5153+1)_(5193+1_5194-1)del

Gene: BRCA1 (BRCA1 DNA repair associated; minus strand).
Variant type: Deletion.
Other names: c.(5152-1_5153+1)_(5193+1_5194-1)del (NM_007294.4).
Identifiers: ClinVar variation 3236919 (VCV003236919.1).

ClinVar aggregate classification (germline): Pathogenic (1 of 4 stars; one submission).

Conditions:
Breast-ovarian cancer, familial, susceptibility to, 1 (BROVCA1). Also called: BRCA1 Hereditary Breast and Ovarian Cancer; OVARIAN CANCER, SUSCEPTIBILITY TO. Identifiers: Orphanet 145, MedGen C2676676, MONDO:0011450, OMIM 604370. Disease mechanism: loss of function.

Submission:

Department of Clinical Genetics, Copenhagen University Hospital, Rigshospitalet
Classification: Pathogenic for Breast-ovarian cancer, familial, susceptibility to, 1. Last evaluated: 2024-05-27. Review status: criteria provided, single submitter. Criteria: ACMG Guidelines, 2015. Collection method: clinical testing. Allele origin: germline. Affected: yes.
Comment: PVS1; PM2_Supporting; PP1